The following is an entry in ClinVar:

NM_006755.2(TALDO1):c.462-10C>T

Genes: TALDO1 (transaldolase 1; plus strand), LOC126861110 (CDK7 strongly-dependent group 2 enhancer GRCh37_chr11:762588-763787; plus strand). Cytogenetic location: 11p15.5.
Variant type: single nucleotide variant.
Coding change: c.462-10C>T on transcript NM_006755.2 (MANE Select); 10 bases into the intron before coding-DNA position 462, C replaced by T.
Molecular consequence: intron variant.
Genome position (GRCh38, 1-based): chr11:763,334, C>T. VCF-style: chr11-763334-C-T. GRCh37 (hg19) VCF-style: chr11-763334-C-T.
Identifiers: ClinVar variation 3031938 (VCV003031938.5), dbSNP rs370360426, ClinGen allele CA5788171.

ClinVar aggregate classification (germline): Benign/Likely benign. Review status: criteria provided, multiple submitters, no conflicts (2 of 4 stars). 3 submissions from 3 submitters: Benign (1); Likely benign (1). 1 of the submissions does not count toward it. Last evaluated 2025-11-25.

Conditions:
TALDO1-related disorder. Also called: TALDO1-related condition.

Allele frequency attached by ClinVar (database versions not stated): TOPMed 0.00005; ESP Exome Variant Server 0.00015; gnomAD 0.00015; gnomAD exomes 0.00017; ExAC 0.00039; 1000 Genomes Project 30x 0.00094; 1000 Genomes Project 0.00100.
gnomAD v4.1: 278 of 1,594,152 alleles (0.017%); highest among the groups gnomAD compares: South Asian, 0.28%; 1 homozygote.

Submissions (3):

Labcorp Genetics (formerly Invitae), Labcorp
Classification: Benign. Last evaluated: 2025-11-25. Review status: criteria provided, single submitter. Criteria: Invitae Variant Classification Sherloc (09022015). Collection method: clinical testing. Allele origin: germline.

Blueprint Genetics
Classification: Likely benign. Last evaluated: 2024-09-20. Review status: criteria provided, single submitter. Criteria: ACMG Guidelines, 2015. Collection method: clinical testing. Allele origin: germline.

PreventionGenetics, part of Exact Sciences
Classification: Likely benign for TALDO1-related condition. Last evaluated: 2023-12-12. Review status: no assertion criteria provided. Collection method: clinical testing. Allele origin: germline. Not counted in ClinVar's aggregate classification.
Comment: This variant is classified as likely benign based on ACMG/AMP sequence variant interpretation guidelines (Richards et al. 2015 PMID: 25741868, with internal and published modifications).